The following is an entry in ClinVar:

NM_000321.3(RB1):c.78_83dup (p.Pro28_Pro29dup)

Gene: RB1 (RB transcriptional corepressor 1; plus strand). Cytogenetic location: 13q14.2.
Variant type: Duplication.
Coding change: c.78_83dup on transcript NM_000321.3 (MANE Select); coding-DNA positions 78 to 83, 6 bases duplicated (GCCCCC; older notation c.78_83dupGCCCCC).
Protein change: p.Pro28_Pro29dup.
Molecular consequence: inframe insertion.
Genome position (GRCh38, 1-based): chr13:48,303,990-48,303,995, GCCCCC duplicated; duplicating any 6 consecutive bases within chr13:48,303,988-48,303,995 gives the same sequence; the c. name uses the placement nearest the transcript's 3' end. VCF-style (leftmost placement, unchanged base first): chr13-48303987-G-GCCGCCC. GRCh37 (hg19) VCF-style: chr13-48878123-G-GCCGCCC.
Other names: c.78_83dupGCCCCC (NM_000321.2).
Identifiers: ClinVar variation 527901 (VCV000527901.13), dbSNP rs1555279223, ClinGen allele CA658798151.

ClinVar aggregate classification (germline): Uncertain significance. Review status: criteria provided, multiple submitters, no conflicts (2 of 4 stars). 2 submissions from 2 submitters: Uncertain significance (2). Last evaluated 2025-07-27.

Conditions:
Hereditary cancer-predisposing syndrome. Also called: Neoplastic Syndromes, Hereditary; Tumor predisposition; Hereditary Cancer Syndrome; Hereditary neoplastic syndrome. Identifiers: Orphanet 140162, MedGen C0027672, MeSH D009386, MONDO:0015356.
Retinoblastoma (RB1). Also called: RETINOBLASTOMA, SOMATIC. Identifiers: Orphanet 790, MedGen C0035335, MeSH D012175, MONDO:0008380, OMIM 180200, HP:0009919. Disease mechanism: loss of function. Inheritance: Both sporadic and heritable forms are tested..

Submissions (2):

Labcorp Genetics (formerly Invitae), Labcorp
Classification: Uncertain significance for Retinoblastoma. Last evaluated: 2025-07-27. Review status: criteria provided, single submitter. Criteria: Invitae Variant Classification Sherloc (09022015). Collection method: clinical testing. Allele origin: germline.
Comment: This variant, c.78_83dup, results in the insertion of 2 amino acid(s) of the RB1 protein (p.Pro28_Pro29dup), but otherwise preserves the integrity of the reading frame. This variant is not present in population databases (gnomAD no frequency). This variant has not been reported in the literature in individuals affected with RB1-related conditions. ClinVar contains an entry for this variant (Variation ID: 527901). Experimental studies and prediction algorithms are not available or were not evaluated, and the functional significance of this variant is currently unknown. In summary, the available evidence is currently insufficient to determine the role of this variant in disease. Therefore, it has been classified as a Variant of Uncertain Significance.

Ambry Genetics
Classification: Uncertain significance for Hereditary cancer-predisposing syndrome. Last evaluated: 2022-05-27. Review status: criteria provided, single submitter. Criteria: Ambry Variant Classification Scheme 2023. Collection method: clinical testing. Allele origin: germline.
Comment: The c.78_83dupGCCCCC variant (also known as p.P28_P29dup), located in coding exon 1 of the RB1 gene, results from an in-frame duplication of GCCCCC at nucleotide positions 78 to 83. This results in the duplication of 2 extra residues (PP) between codons 28 and 29. This amino acid region is well conserved in available vertebrate species. In addition, this alteration is predicted to be neutral by in silico analysis (Choi Y et al. PLoS ONE. 2012; 7(10):e46688). Since supporting evidence is limited at this time, the clinical significance of this alteration remains unclear.